The following is an entry in ClinVar:

ClinVar aggregate classification (germline): Uncertain significance (1 of 4 stars; one submission).

Submission:

Ambry Genetics
Classification: Uncertain significance. Last evaluated: 2023-02-12. Review status: criteria provided, single submitter. Criteria: Ambry Variant Classification Scheme 2023. Collection method: clinical testing. Allele origin: germline.
Comment: The p.V654F variant (also known as c.1960G>T) is located in coding exon 13 of the POLQ gene. The valine at codon 654 is replaced by phenylalanine, an amino acid with highly similar properties. This change occurs in the first base pair of coding exon 13. This amino acid position is conserved. In addition, the in silico prediction for this alteration is inconclusive. Since supporting evidence is limited at this time, the clinical significance of this alteration remains unclear.

NM_199420.4(POLQ):c.1960G>T (p.Val654Phe)

Gene: POLQ (DNA polymerase theta; minus strand). Cytogenetic location: 3q13.33.
Variant type: single nucleotide variant.
Coding change: c.1960G>T on transcript NM_199420.4 (MANE Select); coding-DNA position 1960, G replaced by T.
Protein change: p.Val654Phe; replaces valine 654 with phenylalanine.
Molecular consequence: missense variant.
Genome position (GRCh38, 1-based): chr3:121,498,670, C>A on the plus strand (G>T on the coding strand, the complement: POLQ is on the minus strand). VCF-style: chr3-121498670-C-A. GRCh37 (hg19) VCF-style: chr3-121217517-C-A.
Other names: short protein forms V654F.
Identifiers: ClinVar variation 2449008 (VCV002449008.2), dbSNP rs2546794883, ClinGen allele CA354111153.